The following is an entry in ClinVar:

NM_004397.6(DDX6):c.678C>G (p.Ile226Met)

Gene: DDX6 (DEAD-box helicase 6; minus strand). Cytogenetic location: 11q23.3.
Variant type: single nucleotide variant.
Coding change: c.678C>G on transcript NM_004397.6 (MANE Select); coding-DNA position 678, C replaced by G.
Protein change: p.Ile226Met; replaces isoleucine 226 with methionine.
Molecular consequence: missense variant.
Genome position (GRCh38, 1-based): chr11:118,763,275, G>C on the plus strand (C>G on the coding strand, the complement: DDX6 is on the minus strand). VCF-style: chr11-118763275-G-C. GRCh37 (hg19) VCF-style: chr11-118633984-G-C.
Other names: c.678C>G, p.Ile226Met (NM_001257191.3, NM_001425145.1, NM_001425146.1 and 2 more transcripts); c.675C>G, p.Ile225Met (NM_001425147.1, NM_001425148.1); c.531C>G, p.Ile177Met (NM_001425151.1, NM_001425152.1, NM_001425153.1); c.354C>G, p.Ile118Met (NM_001425154.1); short protein forms I118M, I177M, I225M, I226M.
Identifiers: ClinVar variation 5037187 (VCV005037187.1).

ClinVar aggregate classification (germline): Uncertain significance (1 of 4 stars; one submission).

Submission:

GeneDx
Classification: Uncertain significance. Last evaluated: 2026-04-14. Review status: criteria provided, single submitter. Criteria: GeneDx Variant Classification Process June 2021. Collection method: clinical testing. Allele origin: germline.
Comment: Not observed at significant frequency in large population cohorts (gnomAD); In silico analysis supports that this missense variant has a deleterious effect on protein structure/function; Has not been previously published as pathogenic or benign to our knowledge